The following is an entry in ClinVar:

ClinVar aggregate classification (germline): Uncertain significance. Review status: criteria provided, multiple submitters, no conflicts (2 of 4 stars). 2 submissions from 2 submitters: Uncertain significance (2). Last evaluated 2024-10-09.

Conditions:
Inborn genetic diseases. Identifiers: MedGen C0950123, MeSH D030342.

Allele frequency attached by ClinVar (database versions not stated): gnomAD exomes below 0.00001.
gnomAD v4.1: 1 of 1,613,734 alleles (0.000062%); highest among the groups gnomAD compares: Non-Finnish European, 0.000085%; no homozygotes.

Submissions (2):

Ambry Genetics
Classification: Uncertain significance for Inborn genetic diseases. Last evaluated: 2024-10-09. Review status: criteria provided, single submitter. Criteria: Ambry Variant Classification Scheme 2023. Collection method: clinical testing. Allele origin: germline.

Labcorp Genetics (formerly Invitae), Labcorp
Classification: Uncertain significance. Last evaluated: 2022-03-23. Review status: criteria provided, single submitter. Criteria: Invitae Variant Classification Sherloc (09022015). Collection method: clinical testing. Allele origin: germline.
Comment: In summary, the available evidence is currently insufficient to determine the role of this variant in disease. Therefore, it has been classified as a Variant of Uncertain Significance. Algorithms developed to predict the effect of missense changes on protein structure and function output the following: SIFT: "Tolerated"; PolyPhen-2: "Benign"; Align-GVGD: "Class C0". The serine amino acid residue is found in multiple mammalian species, which suggests that this missense change does not adversely affect protein function. This variant has not been reported in the literature in individuals affected with CENPJ-related conditions. This variant is present in population databases (rs142121392, gnomAD 0.002%). This sequence change replaces alanine, which is neutral and non-polar, with serine, which is neutral and polar, at codon 137 of the CENPJ protein (p.Ala137Ser).

NM_018451.5(CPAP):c.409G>T (p.Ala137Ser)

Gene: CPAP (centrosome assembly and centriole elongation protein; minus strand). Cytogenetic location: 13q12.13.
Variant type: single nucleotide variant.
Coding change: c.409G>T on transcript NM_018451.5 (MANE Select); coding-DNA position 409, G replaced by T.
Protein change: p.Ala137Ser; replaces alanine 137 with serine.
Molecular consequence: missense variant. On other transcripts: non-coding transcript variant (2).
Genome position (GRCh38, 1-based): chr13:24,912,617, C>A on the plus strand (G>T on the coding strand, the complement: CPAP is on the minus strand). VCF-style: chr13-24912617-C-A. GRCh37 (hg19) VCF-style: chr13-25486755-C-A.
Other names: c.409G>T (NM_018451.3); short protein forms A137S.
Identifiers: ClinVar variation 2115709 (VCV002115709.5), dbSNP rs142121392, ClinGen allele CA6920024.